The following is an entry in ClinVar:

ClinVar aggregate classification (germline): Uncertain significance (1 of 4 stars; one submission).

Conditions:
Autosomal dominant limb-girdle muscular dystrophy type 1G (LGMDD3). Also called: MUSCULAR DYSTROPHY, LIMB-GIRDLE, AUTOSOMAL DOMINANT 3; Limb-girdle muscular dystrophy, type 1G. Identifiers: Orphanet 55596, MedGen C1836765, MONDO:0012193, OMIM 609115.

gnomAD v4.1: 1 of 1,358,984 alleles (0.000074%); highest among the groups gnomAD compares: Non-Finnish European, 0.000095%; no homozygotes.

Submission:

Labcorp Genetics (formerly Invitae), Labcorp
Classification: Uncertain significance for Autosomal dominant limb-girdle muscular dystrophy type 1G. Last evaluated: 2021-11-22. Review status: criteria provided, single submitter. Criteria: Invitae Variant Classification Sherloc (09022015). Collection method: clinical testing. Allele origin: germline.
Comment: This sequence change replaces histidine, which is basic and polar, with leucine, which is neutral and non-polar, at codon 9 of the HNRNPDL protein (p.His9Leu). This variant is not present in population databases (gnomAD no frequency). This variant has not been reported in the literature in individuals affected with HNRNPDL-related conditions. Algorithms developed to predict the effect of missense changes on protein structure and function are either unavailable or do not agree on the potential impact of this missense change (SIFT: "Deleterious"; PolyPhen-2: "Benign"; Align-GVGD: "Class C0"). In summary, the available evidence is currently insufficient to determine the role of this variant in disease. Therefore, it has been classified as a Variant of Uncertain Significance.

NM_031372.4(HNRNPDL):c.26A>T (p.His9Leu)

Gene: HNRNPDL (heterogeneous nuclear ribonucleoprotein D like; minus strand). Cytogenetic location: 4q21.22.
Variant type: single nucleotide variant.
Coding change: c.26A>T on transcript NM_031372.4 (MANE Select); coding-DNA position 26, A replaced by T.
Protein change: p.His9Leu; replaces histidine 9 with leucine.
Molecular consequence: missense variant. On other transcripts: non-coding transcript variant (1).
Genome position (GRCh38, 1-based): chr4:82,429,665, T>A on the plus strand (A>T on the coding strand, the complement: HNRNPDL is on the minus strand). VCF-style: chr4-82429665-T-A. GRCh37 (hg19) VCF-style: chr4-83350818-T-A.
Other names: c.26A>T, p.His9Leu (NM_001207000.1); short protein forms H9L.
Identifiers: ClinVar variation 1417798 (VCV001417798.6), dbSNP rs2110032065, ClinGen allele CA357174151.